The following is an entry in ClinVar:

ClinVar aggregate classification (germline): Uncertain significance (1 of 4 stars; one submission).

Conditions:
LAMA2-related muscular dystrophy (LAMA2-RD). Also called: Laminin alpha 2-related dystrophy. Identifiers: MedGen C5679788, MONDO:0100228.

gnomAD v4.1: 2 of 1,613,868 alleles (0.00012%); highest among the groups gnomAD compares: Non-Finnish European, 0.00017%; no homozygotes.

Submission:

Labcorp Genetics (formerly Invitae), Labcorp
Classification: Uncertain significance for LAMA2-related muscular dystrophy. Last evaluated: 2024-03-10. Review status: criteria provided, single submitter. Criteria: Invitae Variant Classification Sherloc (09022015). Collection method: clinical testing. Allele origin: germline.
Comment: This sequence change replaces cysteine, which is neutral and slightly polar, with glycine, which is neutral and non-polar, at codon 58 of the LAMA2 protein (p.Cys58Gly). This variant is not present in population databases (gnomAD no frequency). This variant has not been reported in the literature in individuals affected with LAMA2-related conditions. Advanced modeling of protein sequence and biophysical properties (such as structural, functional, and spatial information, amino acid conservation, physicochemical variation, residue mobility, and thermodynamic stability) has been performed at Invitae for this missense variant, however the output from this modeling did not meet the statistical confidence thresholds required to predict the impact of this variant on LAMA2 protein function. In summary, the available evidence is currently insufficient to determine the role of this variant in disease. Therefore, it has been classified as a Variant of Uncertain Significance.

NM_000426.4(LAMA2):c.172T>G (p.Cys58Gly)

Gene: LAMA2 (laminin subunit alpha 2; plus strand). Cytogenetic location: 6q22.33.
Variant type: single nucleotide variant.
Coding change: c.172T>G on transcript NM_000426.4 (MANE Select); coding-DNA position 172, T replaced by G.
Protein change: p.Cys58Gly; replaces cysteine 58 with glycine.
Molecular consequence: missense variant.
Genome position (GRCh38, 1-based): chr6:129,049,977, T>G. VCF-style: chr6-129049977-T-G. GRCh37 (hg19) VCF-style: chr6-129371122-T-G.
Other names: c.172T>G, p.Cys58Gly (NM_001079823.2); short protein forms C58G.
Identifiers: ClinVar variation 3708866 (VCV003708866.2).